The following is an entry in ClinVar:

ClinVar aggregate classification (germline): Benign (1 of 4 stars; one submission).

Allele frequency attached by ClinVar (database versions not stated): 1000 Genomes Project 0.06989; 1000 Genomes Project 30x 0.07245; TOPMed 0.10445; gnomAD 0.11364 and 0.11428; ESP Exome Variant Server 0.11795; ExAC 0.12129; gnomAD exomes 0.12160 and 0.14694.

Submission:

GeneDx
Classification: Benign. Last evaluated: 2020-11-02. Review status: criteria provided, single submitter. Criteria: GeneDx Variant Classification Process June 2021. Collection method: clinical testing. Allele origin: germline. Affected: yes.
Comment: This variant is associated with the following publications: (PMID: 26405221)

NM_015238.3(WWC1):c.748C>T (p.Arg250Cys)

Gene: WWC1 (WW and C2 domain containing 1; plus strand). Cytogenetic location: 5q34.
Variant type: single nucleotide variant.
Coding change: c.748C>T on transcript NM_015238.3 (MANE Select); coding-DNA position 748, C replaced by T.
Protein change: p.Arg250Cys; replaces arginine 250 with cysteine.
Molecular consequence: missense variant.
Genome position (GRCh38, 1-based): chr5:168,408,534, C>T. VCF-style: chr5-168408534-C-T. GRCh37 (hg19) VCF-style: chr5-167835539-C-T.
Other names: c.748C>T, p.Arg250Cys (NM_001161661.2, NM_001161662.2); short protein forms R250C.
Identifiers: ClinVar variation 1245599 (VCV001245599.2), dbSNP rs17551608, ClinGen allele CA3548562.